The following is an entry in ClinVar:

NM_000535.7(PMS2):c.1253C>T (p.Ser418Phe)

Gene: PMS2 (PMS1 homolog 2, mismatch repair system component; minus strand). Cytogenetic location: 7p22.1.
Variant type: single nucleotide variant.
Coding change: c.1253C>T on transcript NM_000535.7 (MANE Select); coding-DNA position 1253, C replaced by T.
Protein change: p.Ser418Phe; replaces serine 418 with phenylalanine.
Molecular consequence: missense variant. On other transcripts: non-coding transcript variant (1).
Genome position (GRCh38, 1-based): chr7:5,987,512, G>A on the plus strand (C>T on the coding strand, the complement: PMS2 is on the minus strand). VCF-style: chr7-5987512-G-A. GRCh37 (hg19) VCF-style: chr7-6027143-G-A.
Other names: c.848C>T, p.Ser283Phe (NM_001322003.2, NM_001322004.2, NM_001322005.2 and 1 more transcripts); c.1097C>T, p.Ser366Phe (NM_001322006.2); c.935C>T, p.Ser312Phe (NM_001322007.2, NM_001322008.2); c.692C>T, p.Ser231Phe (NM_001322010.2); c.320C>T, p.Ser107Phe (NM_001322011.2, NM_001322012.2); c.680C>T, p.Ser227Phe (NM_001322013.2); c.1253C>T, p.Ser418Phe (NM_001322014.2); c.944C>T, p.Ser315Phe (NM_001322015.2); short protein forms S418F, S312F, S315F, S366F, S107F, S227F, S231F, S283F.
Identifiers: ClinVar variation 142680 (VCV000142680.36), dbSNP rs587782640, ClinGen allele CA009424.

ClinVar aggregate classification (germline): Conflicting classifications of pathogenicity. Review status: criteria provided, conflicting classifications (1 of 4 stars). 13 submissions from 13 submitters: Uncertain significance (12); Benign (1). Last evaluated 2025-12-24.

Conditions:
PMS2-related disorder. Also called: PMS2-related condition.
Hereditary nonpolyposis colorectal neoplasms. Identifiers: MedGen C0009405, MeSH D003123.
Hereditary cancer-predisposing syndrome. Also called: Tumor predisposition; Neoplastic Syndromes, Hereditary; Hereditary neoplastic syndrome; Hereditary Cancer Syndrome. Identifiers: Orphanet 140162, MedGen C0027672, MeSH D009386, MONDO:0015356.
Lynch syndrome. Identifiers: Orphanet 144, MedGen C4552100, MONDO:0005835. Disease mechanism: loss of function.
Lynch syndrome 4 (LYNCH4). Also called: Colorectal cancer, hereditary nonpolyposis, type 4; Hereditary non-polyposis colorectal cancer, type 4. Identifiers: Orphanet 144, MedGen C1838333, MONDO:0013699, OMIM 614337. Disease mechanism: loss of function.

Allele frequency attached by ClinVar (database versions not stated): gnomAD 0.00001; gnomAD exomes 0.00001; ExAC 0.00002; TOPMed 0.00002.
gnomAD v4.1: 15 of 1,614,072 alleles (0.00093%); highest among the groups gnomAD compares: African/African-American, 0.0013%; no homozygotes.

Submissions (13):

Labcorp Genetics (formerly Invitae), Labcorp
Classification: Benign for Hereditary nonpolyposis colorectal neoplasms. Last evaluated: 2025-12-24. Review status: criteria provided, single submitter. Criteria: Invitae Variant Classification Sherloc (09022015). Collection method: clinical testing. Allele origin: germline.

PreventionGenetics, part of Exact Sciences
Classification: Uncertain significance for PMS2-related condition. Last evaluated: 2025-06-06. Review status: criteria provided, single submitter. Criteria: ACMG Guidelines, 2015. Collection method: clinical testing. Allele origin: germline.
Comment: The PMS2 c.1253C>T variant is predicted to result in the amino acid substitution p.Ser418Phe. This variant has been reported in individuals with lung adenocarcinoma (Lu et al. 2015. PubMed ID 26689913), colon cancer (Liccardo et al. 2022. PubMed ID: 35475445), or breast cancer (Germani et al. 2020. PubMed ID: 32957588). This variant is reported in 0.0018% of alleles in individuals of European (Non-Finnish) descent in gnomAD and is interpreted as uncertain in ClinVar. At this time, the clinical significance of this variant is uncertain due to the absence of conclusive functional and genetic evidence.

Molecular Pathology, Peter Maccallum Cancer Centre
Classification: Uncertain significance for Lynch syndrome 4. Last evaluated: 2025-04-11. Review status: criteria provided, single submitter. Criteria: ACMG Guidelines, 2015. Collection method: clinical testing. Allele origin: germline. Inheritance: Autosomal dominant inheritance.

Ambry Genetics
Classification: Uncertain significance for Hereditary cancer-predisposing syndrome. Last evaluated: 2024-12-31. Review status: criteria provided, single submitter. Criteria: Ambry Variant Classification Scheme 2023. Collection method: clinical testing. Allele origin: germline.
Comment: The p.S418F variant (also known as c.1253C>T), located in coding exon 11 of the PMS2 gene, results from a C to T substitution at nucleotide position 1253. The serine at codon 418 is replaced by phenylalanine, an amino acid with highly dissimilar properties. This amino acid position is well conserved in available vertebrate species. In addition, the in silico prediction for this alteration is inconclusive. Based on the available evidence, the clinical significance of this variant remains unclear.

Women's Health and Genetics/Laboratory Corporation of America, LabCorp
Classification: Uncertain significance. Last evaluated: 2024-12-16. Review status: criteria provided, single submitter. Criteria: LabCorp Variant Classification Summary - May 2015. Collection method: clinical testing. Allele origin: germline.
Comment: Variant summary: PMS2 c.1253C>T (p.Ser418Phe) results in a non-conservative amino acid change in the encoded protein sequence. Four of five in-silico tools predict a damaging effect of the variant on protein function. The variant allele was found at a frequency of 8e-06 in 251182 control chromosomes (gnomAD). The available data on variant occurrences in the general population are insufficient to allow any conclusion about variant significance. c.1253C>T has been reported in the literature in individuals affected with colorectal cancer or with breast and uterine cancer without strong evidence of causality (Germani_2020, Liccardo_2022). These reports do not provide unequivocal conclusions about association of the variant with Lynch Syndrome. To our knowledge, no experimental evidence demonstrating an impact on protein function has been reported. The following publications have been ascertained in the context of this evaluation (PMID: 35475445, 32957588). ClinVar contains an entry for this variant (Variation ID: 142680). Based on the evidence outlined above, the variant was classified as uncertain significance.

All of Us Research Program, National Institutes of Health
Classification: Uncertain significance for Lynch syndrome. Last evaluated: 2024-09-23. Review status: criteria provided, single submitter. Criteria: ACMG Guidelines, 2015. Collection method: clinical testing. Allele origin: germline. Inheritance: Autosomal dominant inheritance. Observed: 7 variant alleles, 7 heterozygotes.
Comment: This missense variant replaces serine with phenylalanine at codon 418 of the PMS2 protein. Computational prediction suggests that this variant may not impact protein structure and function (internally defined REVEL score threshold <= 0.5, PMID: 27666373). To our knowledge, functional studies have not been reported for this variant. This variant has been reported in one individual affected with lung adenocarcinoma (PMID: 26689913) and one individual affected with breast cancer (PMID: 32957588). This variant has been identified in 2/251182 chromosomes in the general population by the Genome Aggregation Database (gnomAD). The available evidence is insufficient to determine the role of this variant in disease conclusively. Therefore, this variant is classified as a Variant of Uncertain Significance.

This study involves interpretation of variants in research participants for the purpose of population health screening. Participant phenotype was not available at the time of variant classification. Additional details can be found in publication PMID: 35346344, PMCID: PMC8962531

Color Diagnostics, LLC DBA Color Health
Classification: Uncertain significance for Hereditary cancer-predisposing syndrome. Last evaluated: 2024-05-24. Review status: criteria provided, single submitter. Criteria: ACMG Guidelines, 2015. Collection method: clinical testing. Allele origin: germline.
Comment: This missense variant replaces serine with phenylalanine at codon 418 of the PMS2 protein. Computational prediction suggests that this variant may not impact protein structure and function. To our knowledge, functional studies have not been reported for this variant. This variant has been reported in one individual affected with colorectal cancer (PMID: 35475445). This variant has been identified in 2/251182 chromosomes in the general population by the Genome Aggregation Database (gnomAD). The available evidence is insufficient to determine the role of this variant in disease conclusively. Therefore, this variant is classified as a Variant of Uncertain Significance.

Baylor Genetics
Classification: Uncertain significance for Lynch syndrome 4. Last evaluated: 2024-01-02. Review status: criteria provided, single submitter. Criteria: ACMG Guidelines, 2015. Collection method: clinical testing. Allele origin: unknown.

GeneDx
Classification: Uncertain significance. Last evaluated: 2023-04-03. Review status: criteria provided, single submitter. Criteria: GeneDx Variant Classification Process June 2021. Collection method: clinical testing. Allele origin: germline. Affected: yes.
Comment: Not observed at significant frequency in large population cohorts (gnomAD); In silico analysis supports that this missense variant has a deleterious effect on protein structure/function; This variant is associated with the following publications: (PMID: 26689913, 34445161, 35475445, 32957588)

Quest Diagnostics Nichols Institute San Juan Capistrano
Classification: Uncertain significance. Last evaluated: 2022-09-28. Review status: criteria provided, single submitter. Criteria: Quest Diagnostics criteria. Collection method: clinical testing. Allele origin: unknown.
Comment: The frequency of this variant in the general population, 0.000008 (2/251182 chromosomes), is uninformative in assessment of its pathogenicity. In the published literature, the variant has been reported in an individual with lung adenocarcinoma (PMID: 26689913 (2015)). In a large-scale breast cancer association study, the variant was observed one healthy control (PMID: 33471991 (2021), see also LOVD). Analysis of this variant using bioinformatics tools for the prediction of the effect of amino acid changes on protein structure and function yielded conflicting predictions that this variant is benign or damaging. Based on the available information, we are unable to determine the clinical significance of this variant.

Blueprint Genetics
Classification: Uncertain significance. Last evaluated: 2021-06-28. Review status: criteria provided, single submitter. Criteria: ACMG Guidelines, 2015. Collection method: clinical testing. Allele origin: germline.

Genetic Services Laboratory, University of Chicago
Classification: Uncertain significance. Last evaluated: 2016-11-11. Review status: criteria provided, single submitter. Criteria: ACMG Guidelines, 2015. Collection method: clinical testing. Allele origin: germline. Affected: no.

Breakthrough Genomics
Classification: Uncertain significance. Review status: criteria provided, single submitter. Criteria: ACMG Guidelines, 2015. Collection method: not provided. Allele origin: germline. Inheritance: Autosomal recessive inheritance. Affected: yes.

Literature cited by the submitters: PubMed 26689913 (cited by 3 submitters); PubMed 32957588 (cited by 3 submitters); PubMed 35475445 (cited by 3 submitters); PubMed 33471991 (cited by Quest Diagnostics Nichols Institute San Juan Capistrano).